The following is an entry in ClinVar:

ClinVar aggregate classification (germline): Pathogenic (1 of 4 stars; one submission).

Submission:

Labcorp Genetics (formerly Invitae), Labcorp
Classification: Pathogenic. Last evaluated: 2023-12-01. Review status: criteria provided, single submitter. Criteria: Invitae Variant Classification Sherloc (09022015). Collection method: clinical testing. Allele origin: germline.
Comment: This sequence change creates a premature translational stop signal (p.Gln1507*) in the POLE gene. It is expected to result in an absent or disrupted protein product. Loss-of-function variants in POLE are known to be pathogenic (PMID: 23230001, 25948378, 30503519). This variant is not present in population databases (gnomAD no frequency). This variant has not been reported in the literature in individuals affected with POLE-related conditions. ClinVar contains an entry for this variant (Variation ID: 2082985). For these reasons, this variant has been classified as Pathogenic.

Literature cited by the submitters: PubMed 23230001; PubMed 25948378; PubMed 30503519.

NM_006231.4(POLE):c.4519C>T (p.Gln1507Ter)

Gene: POLE (DNA polymerase epsilon, catalytic subunit; minus strand). Cytogenetic location: 12q24.33.
Variant type: single nucleotide variant.
Coding change: c.4519C>T on transcript NM_006231.4 (MANE Select); coding-DNA position 4519, C replaced by T.
Protein change: p.Gln1507Ter; replaces glutamine 1507 with a stop codon.
Molecular consequence: nonsense.
Genome position (GRCh38, 1-based): chr12:132,643,256, G>A on the plus strand (C>T on the coding strand, the complement: POLE is on the minus strand). VCF-style: chr12-132643256-G-A. GRCh37 (hg19) VCF-style: chr12-133219842-G-A.
Other names: short protein forms Q1507*.
Identifiers: ClinVar variation 2082985 (VCV002082985.4), dbSNP rs1453357668, ClinGen allele CA387380419.